The following is an entry in ClinVar:

NM_005996.4(TBX3):c.927C>G (p.His309Gln)

Gene: TBX3 (T-box transcription factor 3; minus strand). Cytogenetic location: 12q24.21.
Variant type: single nucleotide variant.
Coding change: c.927C>G on transcript NM_005996.4 (MANE Select); coding-DNA position 927, C replaced by G.
Protein change: p.His309Gln; replaces histidine 309 with glutamine.
Molecular consequence: missense variant.
Genome position (GRCh38, 1-based): chr12:114,676,425, G>C on the plus strand (C>G on the coding strand, the complement: TBX3 is on the minus strand). VCF-style: chr12-114676425-G-C. GRCh37 (hg19) VCF-style: chr12-115114230-G-C.
Other names: c.987C>G, p.His329Gln (NM_016569.4); short protein forms H309Q, H329Q.
Identifiers: ClinVar variation 3721835 (VCV003721835.2).

ClinVar aggregate classification (germline): Uncertain significance (1 of 4 stars; one submission).

Conditions:
Ulnar-mammary syndrome (UMS). Also called: PALLISTER ULNAR-MAMMARY SYNDROME; SCHINZEL SYNDROME; Ulnar-mammary syndrome of Pallister. Identifiers: Orphanet 3138, MedGen C1866994, MONDO:0008411, OMIM 181450.

gnomAD v4.1: 1 of 1,614,226 alleles (0.000062%); highest among the groups gnomAD compares: Non-Finnish European, 0.000085%; no homozygotes.

Submission:

Labcorp Genetics (formerly Invitae), Labcorp
Classification: Uncertain significance for Ulnar-mammary syndrome. Last evaluated: 2024-09-29. Review status: criteria provided, single submitter. Criteria: Invitae Variant Classification Sherloc (09022015). Collection method: clinical testing. Allele origin: germline.
Comment: This sequence change replaces histidine, which is basic and polar, with glutamine, which is neutral and polar, at codon 309 of the TBX3 protein (p.His309Gln). This variant is present in population databases (rs767275234, gnomAD 0.0009%). This variant has not been reported in the literature in individuals affected with TBX3-related conditions. An algorithm developed to predict the effect of missense changes on protein structure and function (PolyPhen-2) suggests that this variant is likely to be tolerated. In summary, the available evidence is currently insufficient to determine the role of this variant in disease. Therefore, it has been classified as a Variant of Uncertain Significance.